The following is an entry in ClinVar:

ClinVar aggregate classification (germline): Uncertain significance. Review status: criteria provided, multiple submitters, no conflicts (2 of 4 stars). 2 submissions from 2 submitters: Uncertain significance (2). Last evaluated 2025-04-14.

Conditions:
Hereditary cancer-predisposing syndrome. Also called: Hereditary Cancer Syndrome; Tumor predisposition; Neoplastic Syndromes, Hereditary; Hereditary neoplastic syndrome. Identifiers: Orphanet 140162, MedGen C0027672, MeSH D009386, MONDO:0015356.
Hereditary nonpolyposis colorectal neoplasms. Identifiers: MedGen C0009405, MeSH D003123.

Submissions (2):

Labcorp Genetics (formerly Invitae), Labcorp
Classification: Uncertain significance for Hereditary nonpolyposis colorectal neoplasms. Last evaluated: 2025-04-14. Review status: criteria provided, single submitter. Criteria: Invitae Variant Classification Sherloc (09022015). Collection method: clinical testing. Allele origin: germline.
Comment: This sequence change replaces serine, which is neutral and polar, with tryptophan, which is neutral and slightly polar, at codon 494 of the PMS2 protein (p.Ser494Trp). This variant is not present in population databases (gnomAD no frequency). This variant has not been reported in the literature in individuals affected with PMS2-related conditions. ClinVar contains an entry for this variant (Variation ID: 1016029). Invitae Evidence Modeling incorporating data from in vitro experimental studies (internal data) indicates that this missense variant is not expected to disrupt PMS2 function with a negative predictive value of 95%. In summary, the available evidence is currently insufficient to determine the role of this variant in disease. Therefore, it has been classified as a Variant of Uncertain Significance.

Ambry Genetics
Classification: Uncertain significance for Hereditary cancer-predisposing syndrome. Last evaluated: 2024-07-03. Review status: criteria provided, single submitter. Criteria: Ambry Variant Classification Scheme 2023. Collection method: clinical testing. Allele origin: germline.
Comment: The p.S494W variant (also known as c.1481C>G), located in coding exon 11 of the PMS2 gene, results from a C to G substitution at nucleotide position 1481. The serine at codon 494 is replaced by tryptophan, an amino acid with highly dissimilar properties. This amino acid position is conserved. In addition, this alteration is predicted to be tolerated by in silico analysis. Based on the available evidence, the clinical significance of this variant remains unclear.

NM_000535.7(PMS2):c.1481C>G (p.Ser494Trp)

Gene: PMS2 (PMS1 homolog 2, mismatch repair system component; minus strand). Cytogenetic location: 7p22.1.
Variant type: single nucleotide variant.
Coding change: c.1481C>G on transcript NM_000535.7 (MANE Select); coding-DNA position 1481, C replaced by G.
Protein change: p.Ser494Trp; replaces serine 494 with tryptophan.
Molecular consequence: missense variant. On other transcripts: non-coding transcript variant (1).
Genome position (GRCh38, 1-based): chr7:5,987,284, G>C on the plus strand (C>G on the coding strand, the complement: PMS2 is on the minus strand). VCF-style: chr7-5987284-G-C. GRCh37 (hg19) VCF-style: chr7-6026915-G-C.
Other names: c.1076C>G, p.Ser359Trp (NM_001322003.2, NM_001322004.2, NM_001322005.2 and 1 more transcripts); c.1325C>G, p.Ser442Trp (NM_001322006.2); c.1163C>G, p.Ser388Trp (NM_001322007.2, NM_001322008.2); c.920C>G, p.Ser307Trp (NM_001322010.2); c.548C>G, p.Ser183Trp (NM_001322011.2, NM_001322012.2); c.908C>G, p.Ser303Trp (NM_001322013.2); c.1481C>G, p.Ser494Trp (NM_001322014.2); c.1172C>G, p.Ser391Trp (NM_001322015.2); and 1 more; short protein forms S183W, S303W, S307W, S359W, S388W, S391W, S442W, S494W.
Identifiers: ClinVar variation 1016029 (VCV001016029.9), dbSNP rs587782602, ClinGen allele CA366741831.